The following is an entry in ClinVar:

NM_001035.3(RYR2):c.10024G>C (p.Ala3342Pro)

Gene: RYR2 (ryanodine receptor 2; plus strand). Cytogenetic location: 1q43.
Variant type: single nucleotide variant.
Coding change: c.10024G>C on transcript NM_001035.3 (MANE Select); coding-DNA position 10024, G replaced by C.
Protein change: p.Ala3342Pro; replaces alanine 3342 with proline.
Molecular consequence: missense variant.
Genome position (GRCh38, 1-based): chr1:237,708,980, G>C. VCF-style: chr1-237708980-G-C. GRCh37 (hg19) VCF-style: chr1-237872280-G-C.
Other names: p.A3342P:GCT>CCT; c.10024G>C, p.Ala3342Pro (LRG_402t1); short protein forms A3342P.
Identifiers: ClinVar variation 201394 (VCV000201394.10), dbSNP rs779445295, ClinGen allele CA006497.
Genomic context (GRCh38, chr1:237,708,980, plus strand): 5'-TTAATGGAGAAACTCAAGAAAAAGGCAGCTACGGTGGTGTCTGAGGAAGACCACCTGAAA[G>C]CTGAGGCCAGGGGGGACATGTCGGAGGCAGAACTCCTCATCCTAGATGAGTTCACCACAC-3'
Protein context (NP_001026.2, residues 3332-3352): TVVSEEDHLK[Ala3342Pro]EARGDMSEAE

ClinVar aggregate classification (germline): Uncertain significance. Review status: criteria provided, multiple submitters, no conflicts (2 of 4 stars). 4 submissions from 4 submitters: Uncertain significance (4). Last evaluated 2026-03-27.

Conditions:
Cardiovascular phenotype. Identifiers: MedGen CN230736.
Catecholaminergic polymorphic ventricular tachycardia 1. Also called: VENTRICULAR TACHYCARDIA, CATECHOLAMINERGIC POLYMORPHIC, 1, WITH OR WITHOUT ATRIAL DYSFUNCTION AND/OR DILATED CARDIOMYOPATHY; VENTRICULAR TACHYCARDIA, STRESS-INDUCED POLYMORPHIC 1; RYR2-Related Catecholaminergic Polymorphic Ventricular Tachycardia. Identifiers: Orphanet 3286, MedGen C1631597, MONDO:0011484, OMIM 604772.

Allele frequency attached by ClinVar (database versions not stated): gnomAD exomes below 0.00001; ExAC 0.00001.
gnomAD v4.1: 1 of 1,613,796 alleles (0.000062%); highest among the groups gnomAD compares: Non-Finnish European, 0.000085%; no homozygotes.

Submissions (4):

Molecular Diagnostic Laboratory for Inherited Cardiovascular Disease, Montreal Heart Institute
Classification: Uncertain significance for Cardiovascular phenotype. Last evaluated: 2026-03-27. Review status: criteria provided, single submitter. Criteria: ACMG Guidelines, 2015. Collection method: clinical testing. Allele origin: germline. Affected: yes.
Comment: PM2, PP2

Labcorp Genetics (formerly Invitae), Labcorp
Classification: Uncertain significance for Catecholaminergic polymorphic ventricular tachycardia 1. Last evaluated: 2025-12-08. Review status: criteria provided, single submitter. Criteria: Invitae Variant Classification Sherloc (09022015). Collection method: clinical testing. Allele origin: germline.
Comment: This sequence change replaces alanine, which is neutral and non-polar, with proline, which is neutral and non-polar, at codon 3342 of the RYR2 protein (p.Ala3342Pro). This variant is present in population databases (rs779445295, gnomAD 0.0009%). This missense change has been observed in individual(s) with idiopathic cardiac arrest (PMID: 28600387). ClinVar contains an entry for this variant (Variation ID: 201394). Invitae Evidence Modeling of protein sequence and biophysical properties (such as structural, functional, and spatial information, amino acid conservation, physicochemical variation, residue mobility, and thermodynamic stability) has been performed for this missense variant. However, the output from this modeling did not meet the statistical confidence thresholds required to predict the impact of this variant on RYR2 protein function. In summary, the available evidence is currently insufficient to determine the role of this variant in disease. Therefore, it has been classified as a Variant of Uncertain Significance.

Blueprint Genetics
Classification: Uncertain significance. Last evaluated: 2021-08-17. Review status: criteria provided, single submitter. Criteria: ACMG Guidelines, 2015. Collection method: clinical testing. Allele origin: germline.

GeneDx
Classification: Uncertain significance. Last evaluated: 2017-08-17. Review status: criteria provided, single submitter. Criteria: GeneDx Variant Classification (06012015). Collection method: clinical testing. Allele origin: germline. Affected: yes.
Comment: This variant is denoted Ala3342Pro (aka A3342P) at the protein level and c.10024 G>C at the cDNA level. The Ala3342Pro variant in the RYR2 gene has not been reported previously as a disease-causing mutation or as a benign polymorphism, to our knowledge. Ala3342Pro results in a conservative amino acid substitution of one non-polar amino acid for another at a position that is not well conserved across species throughout evolution. In addition, no mutations in nearby residues have been reported in association with CPVT, indicating this region of the protein may be tolerant of change. However, according to the NHLBI ESP Exome Variant Server, Ala3342Pro was not observed in approximately 4,500 individuals from European and African American backgrounds, indicating that it is not a common sequence variant in these populations. In summary, the clinical significance of the Ala3342Pro variant is unclear at this time. The variant is found in CPVT panel(s).

Literature cited by the submitters: PubMed 28600387 (cited by Labcorp Genetics (formerly Invitae), Labcorp).